The following is an entry in ClinVar:

ClinVar aggregate classification (germline): Benign/Likely benign. Review status: criteria provided, multiple submitters, no conflicts (2 of 4 stars). 13 submissions from 11 submitters: Benign (9); Likely benign (2). 2 of the submissions do not count toward it. Last evaluated 2026-02-04.

Conditions:
Congenital myasthenic syndrome (CMS). Also called: Congenital Myasthenic Syndromes. Identifiers: Orphanet 590, MedGen C0751882, MeSH D020294, MONDO:0018940.
Fetal akinesia deformation sequence 2. Identifiers: MedGen C4760576, MONDO:0100102, OMIM 618388.
Congenital myasthenic syndrome 11. Also called: MYASTHENIC SYNDROME, CONGENITAL, Ie; Myasthenic syndrome, congenital, 11, associated with acetylcholine receptor deficiency. Identifiers: Orphanet 590, MedGen C4225367, MONDO:0014588, OMIM 616326.
Fetal akinesia deformation sequence 1 (FADS1). Also called: Pena-Shokeir syndrome type I; Fetal akinesia sequence. Identifiers: Orphanet 994, MedGen C1276035, MONDO:0100101, OMIM 208150, HP:0001989.

Allele frequency attached by ClinVar (database versions not stated): 1000 Genomes Project 30x 0.05668; 1000 Genomes Project 0.05771; TOPMed 0.07466; ESP Exome Variant Server 0.07824; gnomAD 0.08810 and 0.08888; ExAC 0.10078; gnomAD exomes 0.10386 and 0.10799.
gnomAD v4.1: 170,159 of 1,611,616 alleles (11%); highest among the groups gnomAD compares: South Asian, 13%; 10,413 homozygotes.

Submissions (13):

Labcorp Genetics (formerly Invitae), Labcorp
Classification: Benign for Congenital myasthenic syndrome 11; Fetal akinesia deformation sequence 1. Last evaluated: 2026-02-04. Review status: criteria provided, single submitter. Criteria: Invitae Variant Classification Sherloc (09022015). Collection method: clinical testing. Allele origin: germline.

Blueprint Genetics
Classification: Benign. Last evaluated: 2024-11-27. Review status: criteria provided, single submitter. Criteria: ACMG Guidelines, 2015. Collection method: clinical testing. Allele origin: germline.

Women's Health and Genetics/Laboratory Corporation of America, LabCorp
Classification: Likely benign. Last evaluated: 2021-12-10. Review status: criteria provided, single submitter. Criteria: LabCorp Variant Classification Summary - May 2015. Collection method: clinical testing. Allele origin: germline.

Genome-Nilou Lab
Classification: Benign for Fetal akinesia deformation sequence 2. Last evaluated: 2021-07-10. Review status: criteria provided, single submitter. Criteria: ACMG Guidelines, 2015. Collection method: clinical testing. Allele origin: germline. Affected: no.

Genome-Nilou Lab
Classification: Benign for Congenital myasthenic syndrome 11. Last evaluated: 2021-07-10. Review status: criteria provided, single submitter. Criteria: ACMG Guidelines, 2015. Collection method: clinical testing. Allele origin: germline. Affected: no.

Illumina Laboratory Services, Illumina
Classification: Benign for Congenital myasthenic syndrome 11. Last evaluated: 2018-01-12. Review status: criteria provided, single submitter. Criteria: ICSL Variant Classification Criteria 13 December 2019. Collection method: clinical testing. Allele origin: germline.
Comment: This variant was observed in the ICSL laboratory as part of a predisposition screen in an ostensibly healthy population. It had not been previously curated by ICSL or reported in the Human Gene Mutation Database (HGMD: prior to June 1st, 2018), and was therefore a candidate for classification through an automated scoring system. Utilizing variant allele frequency, disease prevalence and penetrance estimates, and inheritance mode, an automated score was calculated to assess if this variant is too frequent to cause the disease. Based on the score and internal cut-off values, a variant classified as benign is not then subjected to further curation. The score for this variant resulted in a classification of benign for this disease.

Illumina Laboratory Services, Illumina
Classification: Benign for Fetal akinesia deformation sequence 1. Last evaluated: 2018-01-12. Review status: criteria provided, single submitter. Criteria: ICSL Variant Classification Criteria 13 December 2019. Collection method: clinical testing. Allele origin: germline.
Comment: the same text as in the submission from Illumina Laboratory Services, Illumina above.

Mayo Clinic Laboratories, Mayo Clinic
Classification: Benign. Last evaluated: 2017-07-24. Review status: criteria provided, single submitter. Criteria: ACMG Guidelines, 2015. Collection method: clinical testing. Allele origin: germline. Observed: 76 variant alleles.

GeneDx
Classification: Benign. Last evaluated: 2016-05-25. Review status: criteria provided, single submitter. Criteria: GeneDx Variant Classification (06012015). Collection method: clinical testing. Allele origin: germline. Affected: yes.
Comment: This variant is considered likely benign or benign based on one or more of the following criteria: it is a conservative change, it occurs at a poorly conserved position in the protein, it is predicted to be benign by multiple in silico algorithms, and/or has population frequency not consistent with disease.

PreventionGenetics, part of Exact Sciences
Classification: Benign. Last evaluated: 2016-01-28. Review status: criteria provided, single submitter. Criteria: ACMG Guidelines, 2015. Collection method: clinical testing. Allele origin: germline.

Breakthrough Genomics
Classification: Likely benign. Review status: criteria provided, single submitter. Criteria: ACMG Guidelines, 2015. Collection method: not provided. Allele origin: germline. Inheritance: Autosomal recessive inheritance. Affected: yes.

Natera, Inc.
Classification: Benign for Congenital myasthenic syndrome. Last evaluated: 2020-09-16. Review status: no assertion criteria provided. Collection method: clinical testing. Allele origin: germline. Not counted in ClinVar's aggregate classification.

Genetic Services Laboratory, University of Chicago
Classification: Likely benign for AllHighlyPenetrant. Review status: no assertion criteria provided. Collection method: clinical testing. Allele origin: germline. Inheritance: Autosomal recessive inheritance. Not counted in ClinVar's aggregate classification.
Comment: Likely benign based on allele frequency in 1000 Genomes Project or ESP global frequency and its presence in a patient with a rare or unrelated disease phenotype. NOT Sanger confirmed.

NM_005055.5(RAPSN):c.172C>T (p.Arg58Cys)

Gene: RAPSN (receptor associated protein of the synapse; minus strand). Cytogenetic location: 11p11.2.
Variant type: single nucleotide variant.
Coding change: c.172C>T on transcript NM_005055.5 (MANE Select); coding-DNA position 172, C replaced by T.
Protein change: p.Arg58Cys; replaces arginine 58 with cysteine.
Molecular consequence: missense variant.
Genome position (GRCh38, 1-based): chr11:47,448,793, G>A on the plus strand (C>T on the coding strand, the complement: RAPSN is on the minus strand). VCF-style: chr11-47448793-G-A. GRCh37 (hg19) VCF-style: chr11-47470345-G-A.
Other names: p.Arg58Cys; c.172C>T, p.Arg58Cys (NM_032645.5); short protein forms R58C.
Identifiers: ClinVar variation 130090 (VCV000130090.25), dbSNP rs34312154, ClinGen allele CA154874.
Genomic context (GRCh38, chr11:47,448,793, plus strand): 5'-CAGCCTGACCCTCGAACGCCCCCAGGCCGGGTACACCCACCTTCAGCATCTCCTTGTAGC[G>A]GCCCATCTCCGAGTGGGCTGTGACCAGGCAGCCCAGCACGCGGAAGCGCCCCATGAGGTC-3'
Protein context (NP_005046.2, residues 48-68): CLVTAHSEMG[Arg58Cys]YKEMLKFAVV